The following is an entry in ClinVar:

NM_001429.4(EP300):c.678C>G (p.Gly226=)

Gene: EP300 (EP300 lysine acetyltransferase; plus strand). Cytogenetic location: 22q13.2.
Variant type: single nucleotide variant.
Coding change: c.678C>G on transcript NM_001429.4 (MANE Select); coding-DNA position 678, C replaced by G.
Protein change: p.Gly226=; no amino-acid change (glycine 226 retained).
Molecular consequence: synonymous variant.
Genome position (GRCh38, 1-based): chr22:41,117,770, C>G. VCF-style: chr22-41117770-C-G. GRCh37 (hg19) VCF-style: chr22-41513774-C-G.
Other names: c.678C>G, p.Gly226= (NM_001362843.2).
Identifiers: ClinVar variation 341781 (VCV000341781.41), dbSNP rs147244947, ClinGen allele CA10252298.

ClinVar aggregate classification (germline): Benign/Likely benign. Review status: criteria provided, multiple submitters, no conflicts (2 of 4 stars). 6 submissions from 6 submitters: Benign (2); Likely benign (3). 1 of the submissions does not count toward it. Last evaluated 2026-01-13.

Conditions:
EP300-related disorder. Also called: EP300-related condition; EP300-related disorders.
Rubinstein-Taybi syndrome due to EP300 haploinsufficiency. Also called: RUBINSTEIN-TAYBI SYNDROME 2; EP300-Related Rubinstein-Taybi Syndrome. Identifiers: Orphanet 353284, Orphanet 783, MedGen C3150941, MONDO:0013364, OMIM 613684.

Allele frequency attached by ClinVar (database versions not stated): gnomAD 0.00194 and 0.00158; TOPMed 0.00235; ExAC 0.00254; 1000 Genomes Project 30x 0.00390; 1000 Genomes Project 0.00419; ESP Exome Variant Server 0.00154.
gnomAD v4.1: 3,083 of 1,614,220 alleles (0.19%); highest among the groups gnomAD compares: East Asian, 3%; 31 homozygotes.

Submissions (6):

Labcorp Genetics (formerly Invitae), Labcorp
Classification: Benign for Rubinstein-Taybi syndrome due to EP300 haploinsufficiency. Last evaluated: 2026-01-13. Review status: criteria provided, single submitter. Criteria: Invitae Variant Classification Sherloc (09022015). Collection method: clinical testing. Allele origin: germline.

Blueprint Genetics
Classification: Likely benign. Last evaluated: 2024-11-27. Review status: criteria provided, single submitter. Criteria: ACMG Guidelines, 2015. Collection method: clinical testing. Allele origin: germline.

CeGaT Center for Human Genetics Tuebingen
Classification: Benign. Last evaluated: 2024-07-01. Review status: criteria provided, single submitter. Criteria: CeGaT Center For Human Genetics Tuebingen Variant Classification Criteria Version 2. Collection method: clinical testing. Allele origin: germline. Affected: yes. Observed: 7 variant alleles.
Comment: EP300: BP4, BP7, BS1, BS2

GeneDx
Classification: Likely benign. Last evaluated: 2021-02-09. Review status: criteria provided, single submitter. Criteria: GeneDx Variant Classification Process June 2021. Collection method: clinical testing. Allele origin: germline. Affected: yes.

Breakthrough Genomics
Classification: Likely benign. Review status: criteria provided, single submitter. Criteria: ACMG Guidelines, 2015. Collection method: not provided. Allele origin: germline. Inheritance: Autosomal dominant inheritance. Affected: yes.

PreventionGenetics, part of Exact Sciences
Classification: Benign for EP300-related condition. Last evaluated: 2019-05-02. Review status: no assertion criteria provided. Collection method: clinical testing. Allele origin: germline. Not counted in ClinVar's aggregate classification.
Comment: This variant is classified as benign based on ACMG/AMP sequence variant interpretation guidelines (Richards et al. 2015 PMID: 25741868, with internal and published modifications).